The following is an entry in ClinVar:

NM_001453.3(FOXC1):c.1359_1364del (p.Gly455_Gly456del)

Gene: FOXC1 (forkhead box C1; plus strand). Cytogenetic location: 6p25.3.
Variant type: Deletion.
Coding change: c.1359_1364del on transcript NM_001453.3 (MANE Select); coding-DNA positions 1359 to 1364, 6 bases deleted (CGGGGG; older notation c.1359_1364delCGGGGG).
Protein change: p.Gly455_Gly456del.
Genome position (GRCh38, 1-based): chr6:1,611,804-1,611,809, CGGGGG deleted; deleting any 6 consecutive bases within chr6:1,611,802-1,611,809 gives the same sequence; the c. name uses the placement nearest the transcript's 3' end. VCF-style (leftmost placement, unchanged base first): chr6-1611801-CGGCGGG-C. GRCh37 (hg19) VCF-style: chr6-1612036-CGGCGGG-C.
Other names: c.1359_1364del6 (NM_001453.2).
Identifiers: ClinVar variation 3729399 (VCV003729399.3).

ClinVar aggregate classification (germline): Conflicting classifications of pathogenicity. Review status: criteria provided, conflicting classifications (1 of 4 stars). 2 submissions from 2 submitters: Uncertain significance (1); Likely benign (1). Last evaluated 2026-07-27.

Conditions:
FOXC1-related disorder. Also called: FOXC1-related condition.
Axenfeld-Rieger syndrome type 3 (RIEG3). Also called: AXENFELD-RIEGER ANOMALY WITH CARDIAC DEFECTS AND/OR SENSORINEURAL HEARING LOSS. Identifiers: Orphanet 782, MedGen C2678503, MONDO:0011233, OMIM 602482.

Submissions (2):

PreventionGenetics, part of Exact Sciences
Classification: Uncertain significance for FOXC1-related condition. Last evaluated: 2026-07-27. Review status: criteria provided, single submitter. Criteria: ACMG Guidelines, 2015. Collection method: clinical testing. Allele origin: germline.
Comment: The FOXC1 c.1359_1364del6 variant is predicted to result in an in-frame deletion (p.Gly455_Gly456del). To our knowledge, this variant has not been reported in the literature or in a large population database (gnomAD), indicating this variant is rare. At this time, the clinical significance of this variant is uncertain due to the absence of conclusive functional and genetic evidence.

Labcorp Genetics (formerly Invitae), Labcorp
Classification: Likely benign for Axenfeld-Rieger syndrome type 3. Last evaluated: 2024-08-27. Review status: criteria provided, single submitter. Criteria: Invitae Variant Classification Sherloc (09022015). Collection method: clinical testing. Allele origin: germline.